The following is an entry in ClinVar:

NM_004525.3(LRP2):c.5932G>C (p.Glu1978Gln)

Gene: LRP2 (LDL receptor related protein 2; minus strand). Cytogenetic location: 2q31.1.
Variant type: single nucleotide variant.
Coding change: c.5932G>C on transcript NM_004525.3 (MANE Select); coding-DNA position 5932, G replaced by C.
Protein change: p.Glu1978Gln; replaces glutamic acid 1978 with glutamine.
Molecular consequence: missense variant.
Genome position (GRCh38, 1-based): chr2:169,213,765, C>G on the plus strand (G>C on the coding strand, the complement: LRP2 is on the minus strand). VCF-style: chr2-169213765-C-G. GRCh37 (hg19) VCF-style: chr2-170070275-C-G.
Other names: short protein forms E1978Q.
Identifiers: ClinVar variation 1504326 (VCV001504326.8), dbSNP rs1357352135, ClinGen allele CA349133840.

ClinVar aggregate classification (germline): Uncertain significance (1 of 4 stars; one submission).

gnomAD v4.1: 4 of 1,610,352 alleles (0.00025%); highest among the groups gnomAD compares: South Asian, 0.0011%; no homozygotes.

Submission:

Labcorp Genetics (formerly Invitae), Labcorp
Classification: Uncertain significance. Last evaluated: 2022-02-21. Review status: criteria provided, single submitter. Criteria: Invitae Variant Classification Sherloc (09022015). Collection method: clinical testing. Allele origin: germline.
Comment: Advanced modeling of protein sequence and biophysical properties (such as structural, functional, and spatial information, amino acid conservation, physicochemical variation, residue mobility, and thermodynamic stability) performed at Invitae indicates that this missense variant is not expected to disrupt LRP2 protein function. In summary, the available evidence is currently insufficient to determine the role of this variant in disease. Therefore, it has been classified as a Variant of Uncertain Significance. This sequence change replaces glutamic acid, which is acidic and polar, with glutamine, which is neutral and polar, at codon 1978 of the LRP2 protein (p.Glu1978Gln). This variant is not present in population databases (gnomAD no frequency). This variant has not been reported in the literature in individuals affected with LRP2-related conditions.